The following is an entry in ClinVar:

NM_000318.3(PEX2):c.698G>A (p.Ser233Asn)

Gene: PEX2 (peroxisomal biogenesis factor 2; minus strand). Cytogenetic location: 8q21.13.
Variant type: single nucleotide variant.
Coding change: c.698G>A on transcript NM_000318.3 (MANE Select); coding-DNA position 698, G replaced by A.
Protein change: p.Ser233Asn; replaces serine 233 with asparagine.
Molecular consequence: missense variant.
Genome position (GRCh38, 1-based): chr8:76,983,481, C>T on the plus strand (G>A on the coding strand, the complement: PEX2 is on the minus strand). VCF-style: chr8-76983481-C-T. GRCh37 (hg19) VCF-style: chr8-77895717-C-T.
Other names: p.Ser233Asn; c.698G>A, p.Ser233Asn (NM_001079867.2, NM_001172086.2, NM_001172087.2); short protein forms S233N.
Identifiers: ClinVar variation 595546 (VCV000595546.13), dbSNP rs200868032, ClinGen allele CA4788666.

ClinVar aggregate classification (germline): Conflicting classifications of pathogenicity. Review status: criteria provided, conflicting classifications (1 of 4 stars). 8 submissions from 8 submitters: Uncertain significance (4); Likely benign (2). 2 of the submissions do not count toward it. Last evaluated 2026-06-11.

Conditions:
Zellweger spectrum disorders (ZS). Also called: Zellweger Spectrum Disorder; Zellweger Spectrum; Zellweger Spectrum Disorder (ZSD); Zellweger syndrome. Identifiers: Orphanet 912, MedGen C0043459, MONDO:0019609.
Peroxisome biogenesis disorder 5A (Zellweger) (PBD5A). Identifiers: Orphanet 912, MedGen C3553940, MONDO:0013932, OMIM 614866.
PEX2-related disorder. Also called: PEX2-related condition.
Inborn genetic diseases. Identifiers: MedGen C0950123, MeSH D030342.

Allele frequency attached by ClinVar (database versions not stated): ESP Exome Variant Server 0.00008; gnomAD exomes 0.00011 and 0.00020; ExAC 0.00016; TOPMed 0.00021; gnomAD 0.00022.

Submissions (8):

Ambry Genetics
Classification: Likely benign for Inborn genetic diseases. Last evaluated: 2026-06-11. Review status: criteria provided, single submitter. Criteria: Ambry Variant Classification Scheme 2023. Collection method: clinical testing. Allele origin: germline.

Mayo Clinic Laboratories, Mayo Clinic
Classification: Uncertain significance. Last evaluated: 2025-09-05. Review status: criteria provided, single submitter. Criteria: ACMG Guidelines, 2015. Collection method: clinical testing. Allele origin: germline. Observed: 1 variant allele.
Comment: BP4_moderate

Blueprint Genetics
Classification: Likely benign. Last evaluated: 2024-08-23. Review status: criteria provided, single submitter. Criteria: ACMG Guidelines, 2015. Collection method: clinical testing. Allele origin: germline.

Labcorp Genetics (formerly Invitae), Labcorp
Classification: Uncertain significance for Peroxisome biogenesis disorder 5A (Zellweger). Last evaluated: 2022-11-01. Review status: criteria provided, single submitter. Criteria: Invitae Variant Classification Sherloc (09022015). Collection method: clinical testing. Allele origin: germline.
Comment: This sequence change replaces serine, which is neutral and polar, with asparagine, which is neutral and polar, at codon 233 of the PEX2 protein (p.Ser233Asn). This variant is present in population databases (rs200868032, gnomAD 0.06%). This variant has not been reported in the literature in individuals affected with PEX2-related conditions. ClinVar contains an entry for this variant (Variation ID: 595546). Advanced modeling of protein sequence and biophysical properties (such as structural, functional, and spatial information, amino acid conservation, physicochemical variation, residue mobility, and thermodynamic stability) performed at Invitae indicates that this missense variant is not expected to disrupt PEX2 protein function. In summary, the available evidence is currently insufficient to determine the role of this variant in disease. Therefore, it has been classified as a Variant of Uncertain Significance.

Eurofins Ntd Llc (ga)
Classification: Uncertain significance. Last evaluated: 2018-07-09. Review status: criteria provided, single submitter. Criteria: EGL ClinVar v180209 classification definitions. Collection method: clinical testing. Allele origin: germline. Observed: 3 variant alleles, 3 heterozygotes.

Breakthrough Genomics
Classification: Uncertain significance. Review status: criteria provided, single submitter. Criteria: ACMG Guidelines, 2015. Collection method: not provided. Allele origin: germline. Inheritance: Autosomal recessive inheritance. Affected: yes.

PreventionGenetics, part of Exact Sciences
Classification: Uncertain significance for PEX2-related condition. Last evaluated: 2024-05-31. Review status: no assertion criteria provided. Collection method: clinical testing. Allele origin: germline. Not counted in ClinVar's aggregate classification.
Comment: The PEX2 c.698G>A variant is predicted to result in the amino acid substitution p.Ser233Asn. To our knowledge, this variant has not been reported in the literature. This variant is reported in 0.058% of alleles in individuals of Ashkenazi Jewish descent in gnomAD. At this time, the clinical significance of this variant is uncertain due to the absence of conclusive functional and genetic evidence.

Natera, Inc.
Classification: Uncertain significance for Zellweger syndrome. Last evaluated: 2019-10-28. Review status: no assertion criteria provided. Collection method: clinical testing. Allele origin: germline. Not counted in ClinVar's aggregate classification.